The following is an entry in ClinVar:

ClinVar aggregate classification (germline): Conflicting classifications of pathogenicity. Review status: criteria provided, conflicting classifications (1 of 4 stars). 4 submissions from 4 submitters: Pathogenic (1); Likely pathogenic (2); Uncertain significance (1). Last evaluated 2026-07-28.

Conditions:
Severe combined immunodeficiency, autosomal recessive, T cell-negative, B cell-negative, NK cell-negative, due to adenosine deaminase deficiency. Also called: ADA-SCID; Adenosine Deaminase Deficiency; ADA deficiency; Adenosine deaminase deficient severe combined immunodeficiency; Severe combined immunodeficiency due to ADA deficiency; SCID DUE TO ADA DEFICIENCY. Identifiers: Orphanet 277, MedGen C0392607, MONDO:0007064, OMIM 102700.
ADA-related disorder. Also called: ADA-related condition.

Allele frequency attached by ClinVar (database versions not stated): TOPMed below 0.00001; gnomAD 0.00001; gnomAD exomes 0.00001.
gnomAD v4.1: 10 of 1,614,090 alleles (0.00062%); highest among the groups gnomAD compares: Non-Finnish European, 0.00076%; no homozygotes.

Submissions (4):

Myriad Genetics, Inc.
Classification: Uncertain significance for Severe combined immunodeficiency, autosomal recessive, T cell-negative, B cell-negative, NK cell-negative, due to adenosine deaminase deficiency. Last evaluated: 2026-07-28. Review status: criteria provided, single submitter. Criteria: Myriad Autosomal Dominant, Autosomal Recessive and X-Linked Classification Criteria (2023). Collection method: clinical testing. Allele origin: unknown.
Comment: NM_000022.2(ADA):c.678+5G>C is an intronic variant classified as a variant of uncertain significance in the context of adenosine deaminase deficiency. c.678+5G>C has been observed in a case with relevant disease (PMID: 33975924). Relevant functional assessments of this variant are not available in the literature. c.678+5G>C has not been observed in referenced population frequency databases. In summary, there is insufficient evidence to classify NM_000022.2(ADA):c.678+5G>C as pathogenic or benign. Please note: this variant was assessed in the context of healthy population screening.

Labcorp Genetics (formerly Invitae), Labcorp
Classification: Pathogenic for Severe combined immunodeficiency, autosomal recessive, T cell-negative, B cell-negative, NK cell-negative, due to adenosine deaminase deficiency. Last evaluated: 2026-01-22. Review status: criteria provided, single submitter. Criteria: Invitae Variant Classification Sherloc (09022015). Collection method: clinical testing. Allele origin: germline.
Comment: This sequence change falls in intron 7 of the ADA gene. It does not directly change the encoded amino acid sequence of the ADA protein. It affects a nucleotide within the consensus splice site. This variant is not present in population databases (gnomAD no frequency). This variant has been observed in individual(s) with clinical features of severe combined immunodeficiency (SCID) (PMID: 33975924; internal data). In at least one individual the data is consistent with being in trans (on the opposite chromosome) from a pathogenic variant. ClinVar contains an entry for this variant (Variation ID: 861963). Variants that disrupt the consensus splice site are a relatively common cause of aberrant splicing (PMID: 17576681, 9536098). Algorithms developed to predict the effect of sequence changes on RNA splicing suggest that this variant may disrupt the consensus splice site. For these reasons, this variant has been classified as Pathogenic.

Blueprint Genetics
Classification: Likely pathogenic for ADA-related disorders. Last evaluated: 2024-06-12. Review status: criteria provided, single submitter. Criteria: ACMG Guidelines, 2015. Collection method: clinical testing. Allele origin: germline. Affected: yes. Observed: 2 variant alleles.

Baylor Genetics
Classification: Likely pathogenic for Severe combined immunodeficiency, autosomal recessive, T cell-negative, B cell-negative, NK cell-negative, due to adenosine deaminase deficiency. Last evaluated: 2024-01-13. Review status: criteria provided, single submitter. Criteria: ACMG Guidelines, 2015. Collection method: clinical testing. Allele origin: unknown.

Literature cited by the submitters: PubMed 33975924 (cited by Myriad Genetics, Inc. and Labcorp Genetics (formerly Invitae), Labcorp); PubMed 17576681 (cited by Labcorp Genetics (formerly Invitae), Labcorp); PubMed 9536098 (cited by Labcorp Genetics (formerly Invitae), Labcorp).

NM_000022.4(ADA):c.678+5G>C

Gene: ADA (adenosine deaminase; minus strand). Cytogenetic location: 20q13.12.
Variant type: single nucleotide variant.
Coding change: c.678+5G>C on transcript NM_000022.4 (MANE Select); 5 bases into the intron after coding-DNA position 678, G replaced by C.
Molecular consequence: intron variant.
Genome position (GRCh38, 1-based): chr20:44,623,002, C>G on the plus strand (G>C on the coding strand, the complement: ADA is on the minus strand). VCF-style: chr20-44623002-C-G. GRCh37 (hg19) VCF-style: chr20-43251643-C-G.
Other names: c.273+5G>C (NM_001322050.2); c.607-72G>C (NM_001322051.2).
Identifiers: ClinVar variation 861963 (VCV000861963.12), dbSNP rs763478578, ClinGen allele CA916081236.